The following is an entry in ClinVar:

ClinVar aggregate classification (germline): Uncertain significance. Review status: criteria provided, multiple submitters, no conflicts (2 of 4 stars). 2 submissions from 2 submitters: Uncertain significance (2). Last evaluated 2024-11-20.

Conditions:
Charcot-Marie-Tooth disease type 4. Also called: Charcot-Marie-Tooth disease, type IV; Charcot-Marie-Tooth, Type 4. Identifiers: Orphanet 64749, MedGen C4082197, MONDO:0018995.

Submissions (2):

Women's Health and Genetics/Laboratory Corporation of America, LabCorp
Classification: Uncertain significance. Last evaluated: 2024-11-20. Review status: criteria provided, single submitter. Criteria: LabCorp Variant Classification Summary - May 2015. Collection method: clinical testing. Allele origin: germline.
Comment: Variant summary: PRX c.4099dupG (p.Ala1367GlyfsX22) results in a premature termination codon, predicted to cause a truncation of the encoded protein. This variant is not predicted to undergo nonsense mediated decay. The variant allele was found at a frequency of 8.1e-06 in 245694 control chromosomes. The available data on variant occurrences in the general population are insufficient to allow any conclusion about variant significance. To our knowledge, no occurrence of c.4099dupG in individuals affected with Charcot-Marie-Tooth disease type 4F and no experimental evidence demonstrating its impact on protein function have been reported. ClinVar contains an entry for this variant (Variation ID: 1061955). Based on the evidence outlined above, the variant was classified as uncertain significance.

Labcorp Genetics (formerly Invitae), Labcorp
Classification: Uncertain significance for Charcot-Marie-Tooth disease type 4. Last evaluated: 2021-04-28. Review status: criteria provided, single submitter. Criteria: Invitae Variant Classification Sherloc (09022015). Collection method: clinical testing. Allele origin: germline.
Comment: In summary, the available evidence is currently insufficient to determine the role of this variant in disease. Therefore, it has been classified as a Variant of Uncertain Significance. This sequence change results in a premature translational stop signal in the PRX gene (p.Ala1367Glyfs*22). While this is not anticipated to result in nonsense mediated decay, it is expected to disrupt the last 95 amino acids of the PRX protein. This variant is present in population databases (rs768199280, ExAC 0.01%). This variant has not been reported in the literature in individuals with PRX-related conditions. Experimental studies and prediction algorithms are not available or were not evaluated, and the functional significance of this variant is currently unknown.

NM_181882.3(PRX):c.4099dup (p.Ala1367fs)

Gene: PRX (periaxin; minus strand). Cytogenetic location: 19q13.2.
Variant type: Duplication.
Coding change: c.4099dup on transcript NM_181882.3 (MANE Select); coding-DNA position 4099, one base duplicated (G; older notation c.4099dupG).
Protein change: p.Ala1367fs; shifts the reading frame from alanine 1367.
Molecular consequence: frameshift variant. On other transcripts: 3 prime UTR variant (1).
Genome position (GRCh38, 1-based): chr19:40,394,253, C duplicated on the plus strand (G on the coding strand, the reverse complement: PRX is on the minus strand); the first of 4 consecutive C bases (chr19:40,394,253-40,394,256); duplicating any one gives the same sequence. VCF-style (leftmost placement, unchanged base first): chr19-40394252-G-GC. GRCh37 (hg19) VCF-style: chr19-40900159-G-GC.
Other names: c.*4304dup (NM_020956.2); c.4099dupG (NM_181882.3); short protein forms A1367fs.
Identifiers: ClinVar variation 1061955 (VCV001061955.8), dbSNP rs768199280, ClinGen allele CA9443705.